The following is an entry in ClinVar:

NM_015338.6(ASXL1):c.2513A>G (p.Lys838Arg)

Gene: ASXL1 (ASXL transcriptional regulator 1; plus strand). Cytogenetic location: 20q11.21.
Variant type: single nucleotide variant.
Coding change: c.2513A>G on transcript NM_015338.6 (MANE Select); coding-DNA position 2513, A replaced by G.
Protein change: p.Lys838Arg; replaces lysine 838 with arginine.
Molecular consequence: missense variant.
Genome position (GRCh38, 1-based): chr20:32,435,225, A>G. VCF-style: chr20-32435225-A-G. GRCh37 (hg19) VCF-style: chr20-31023028-A-G.
Other names: c.2330A>G, p.Lys777Arg (NM_001363734.1); short protein forms K838R, K777R.
Identifiers: ClinVar variation 133578 (VCV000133578.19), dbSNP rs35632616, ClinGen allele CA156987.

ClinVar aggregate classification (germline): Benign. Review status: criteria provided, multiple submitters, no conflicts (2 of 4 stars). 8 submissions from 8 submitters: Benign (5). 3 of the submissions do not count toward it. Last evaluated 2026-01-28.

Conditions:
Bohring-Opitz syndrome. Also called: OPITZ TRIGONOCEPHALY-LIKE SYNDROME; ASXL1-Related Bohring-Opitz Syndrome; C-LIKE SYNDROME; BOHRING SYNDROME. Identifiers: Orphanet 97297, MedGen C0796232, MONDO:0011510, OMIM 605039.

Allele frequency attached by ClinVar (database versions not stated): gnomAD exomes 0.00094 and 0.00251; gnomAD 0.01055 and 0.01138; ExAC 0.00304; 1000 Genomes Project 0.01158; 1000 Genomes Project 30x 0.01234; ESP Exome Variant Server 0.01146; TOPMed 0.01152.
gnomAD v4.1: 3,051 of 1,614,034 alleles (0.19%); highest among the groups gnomAD compares: African/African-American, 3.6%; 56 homozygotes.

Submissions (8):

Labcorp Genetics (formerly Invitae), Labcorp
Classification: Benign. Last evaluated: 2026-01-28. Review status: criteria provided, single submitter. Criteria: Invitae Variant Classification Sherloc (09022015). Collection method: clinical testing. Allele origin: germline.

Genome-Nilou Lab
Classification: Benign for Bohring-Opitz syndrome. Last evaluated: 2021-12-05. Review status: criteria provided, single submitter. Criteria: ACMG Guidelines, 2015. Collection method: clinical testing. Allele origin: germline. Affected: no.

GeneDx
Classification: Benign. Last evaluated: 2020-10-02. Review status: criteria provided, single submitter. Criteria: GeneDx Variant Classification Process June 2021. Collection method: clinical testing. Allele origin: germline. Affected: yes.

Center for Pediatric Genomic Medicine, Children's Mercy Hospital and Clinics
Classification: Benign. Last evaluated: 2016-12-28. Review status: criteria provided, single submitter. Criteria: ACMG Guidelines, 2015. Collection method: clinical testing. Allele origin: germline.

Breakthrough Genomics
Classification: Benign. Review status: criteria provided, single submitter. Criteria: ACMG Guidelines, 2015. Collection method: not provided. Allele origin: germline. Inheritance: Autosomal dominant inheritance. Affected: yes.

ITMI
No classification provided. Condition: AllHighlyPenetrant. Last evaluated: 2013-09-19. Review status: no classification provided. Collection method: reference population. Allele origin: germline. Not counted in ClinVar's aggregate classification.
Comment: Please see associated publication for description of ethnicities

Joint Genome Diagnostic Labs from Nijmegen and Maastricht, Radboudumc and MUMC+
Classification: Benign. Review status: no assertion criteria provided. Collection method: clinical testing. Allele origin: germline. Affected: yes. Study: VKGL Data-share Consensus. Not counted in ClinVar's aggregate classification.

Laboratory of Diagnostic Genome Analysis, Leiden University Medical Center (LUMC)
Classification: Likely benign. Review status: no assertion criteria provided. Collection method: clinical testing. Allele origin: germline. Affected: yes. Study: VKGL Data-share Consensus. Not counted in ClinVar's aggregate classification.

Literature cited by the submitters: PubMed 24728327 (cited by ITMI).